The following is an entry in ClinVar:

NM_198559.2(CATIP):c.604G>A (p.Glu202Lys)

Gene: CATIP (ciliogenesis associated TTC17 interacting protein; plus strand). Cytogenetic location: 2q35.
Variant type: single nucleotide variant.
Coding change: c.604G>A on transcript NM_198559.2 (MANE Select); coding-DNA position 604, G replaced by A.
Protein change: p.Glu202Lys; replaces glutamic acid 202 with lysine.
Molecular consequence: missense variant.
Genome position (GRCh38, 1-based): chr2:218,362,876, G>A. VCF-style: chr2-218362876-G-A. GRCh37 (hg19) VCF-style: chr2-219227599-G-A.
Other names: c.637G>A, p.Glu213Lys (NM_001320865.2); short protein forms E202K, E213K.
Identifiers: ClinVar variation 3770423 (VCV003770423.13).

ClinVar aggregate classification (germline): Benign (1 of 4 stars; one submission).

Submission:

CeGaT Center for Human Genetics Tuebingen
Classification: Benign. Last evaluated: 2025-01-01. Review status: criteria provided, single submitter. Criteria: CeGaT Center For Human Genetics Tuebingen Variant Classification Criteria Version 2. Collection method: clinical testing. Allele origin: germline. Affected: yes. Observed: 1 variant allele.
Comment: CATIP: BP4, BS1, BS2